The following is an entry in ClinVar:

ClinVar aggregate classification (germline): Uncertain significance (1 of 4 stars; one submission).

Allele frequency attached by ClinVar (database versions not stated): gnomAD exomes below 0.00001.
gnomAD v4.1: 2 of 1,613,798 alleles (0.00012%); highest among the groups gnomAD compares: Middle Eastern, 0.033%; no homozygotes.

Submission:

Labcorp Genetics (formerly Invitae), Labcorp
Classification: Uncertain significance. Last evaluated: 2025-02-14. Review status: criteria provided, single submitter. Criteria: Invitae Variant Classification Sherloc (09022015). Collection method: clinical testing. Allele origin: germline.
Comment: This sequence change replaces histidine, which is basic and polar, with tyrosine, which is neutral and polar, at codon 825 of the ERBIN protein (p.His825Tyr). This variant is not present in population databases (gnomAD no frequency). This variant has not been reported in the literature in individuals affected with ERBIN-related conditions. ClinVar contains an entry for this variant (Variation ID: 2072460). An algorithm developed to predict the effect of missense changes on protein structure and function (PolyPhen-2) suggests that this variant is likely to be tolerated. In summary, the available evidence is currently insufficient to determine the role of this variant in disease. Therefore, it has been classified as a Variant of Uncertain Significance.

NM_001253697.2(ERBIN):c.2473C>T (p.His825Tyr)

Gene: ERBIN (erbb2 interacting protein; plus strand). Cytogenetic location: 5q12.3.
Variant type: single nucleotide variant.
Coding change: c.2473C>T on transcript NM_001253697.2 (MANE Select); coding-DNA position 2473, C replaced by T.
Protein change: p.His825Tyr; replaces histidine 825 with tyrosine.
Molecular consequence: missense variant.
Genome position (GRCh38, 1-based): chr5:66,053,791, C>T. VCF-style: chr5-66053791-C-T. GRCh37 (hg19) VCF-style: chr5-65349619-C-T.
Other names: c.2473C>T, p.His825Tyr (NM_001006600.3, NM_001253698.2, NM_001253699.2 and 1 more transcripts); c.2461C>T, p.His821Tyr (NM_001253701.2); short protein forms H821Y, H825Y.
Identifiers: ClinVar variation 2072460 (VCV002072460.4), dbSNP rs1759296922, ClinGen allele CA359866949.
Genomic context (GRCh38, chr5:66,053,791, plus strand): 5'-GAGCACTTGGAAAATGGAAACAAGTATCCTAATTTGGAATCCGTAAATAAGGTAAATGGA[C>T]ATTCTGAGGAAACTTCCCAGTCTCCTAATAGGACTGAACCACATGACAGTGATTGTTCTG-3'
Protein context (NP_001240626.1, residues 815-835): NLESVNKVNG[His825Tyr]SEETSQSPNR